The following is an entry in ClinVar:

NM_032520.5(GNPTG):c.324G>A (p.Trp108Ter)

Gene: GNPTG (N-acetylglucosamine-1-phosphate transferase subunit gamma; plus strand). Cytogenetic location: 16p13.3.
Variant type: single nucleotide variant.
Coding change: c.324G>A on transcript NM_032520.5 (MANE Select); coding-DNA position 324, G replaced by A.
Protein change: p.Trp108Ter; replaces tryptophan 108 with a stop codon.
Molecular consequence: nonsense.
Genome position (GRCh38, 1-based): chr16:1,362,044, G>A. VCF-style: chr16-1362044-G-A. GRCh37 (hg19) VCF-style: chr16-1412045-G-A.
Other names: p.Trp108X; short protein forms W108*.
Identifiers: ClinVar variation 397575 (VCV000397575.7), dbSNP rs1060499690, ClinGen allele CA16609436.

ClinVar aggregate classification (germline): Likely pathogenic. Review status: criteria provided, multiple submitters, no conflicts (2 of 4 stars). 2 submissions from 2 submitters: Likely pathogenic (2). Last evaluated 2018-03-02.

Conditions:
Mucolipidosis. Also called: Mucolipidoses. Identifiers: Orphanet 79212, MedGen C0026697, MONDO:0019248.
GNPTG-mucolipidosis. Also called: Mucolipidosis type III gamma; MUCOLIPIDOSIS III, COMPLEMENTATION GROUP C; MUCOLIPIDOSIS III, IRANIAN VARIANT FORM; MUCOLIPIDOSIS III, VARIANT FORM; ML III GAMMA; ML IIIC. Identifiers: Orphanet 423470, Orphanet 577, MedGen C1854896, MONDO:0009652, OMIM 252605.

Submissions (2):

Laboratory for Molecular Medicine, Mass General Brigham Personalized Medicine
Classification: Likely pathogenic for Mucolipidosis. Last evaluated: 2018-03-02. Review status: criteria provided, single submitter. Criteria: LMM Criteria. Collection method: clinical testing. Allele origin: germline. Inheritance: Autosomal recessive inheritance. Observed: 1 variant allele.
Comment: The p.Trp108X variant in GNPTG has not been previously reported in the literatur e and was absent from large population studies, but has been reported in ClinVar (Variation ID #397575). This nonsense variant leads to a premature termination codon at position 108 which is predicted to lead to a truncated or absent protei n. Loss of function is a reported mechanism of disease for this gene. In summary , although additional studies are required to fully establish its clinical signi ficance, the p.Trp108X variant is likely pathogenic for Mucolipidosis III gamma based on predicted impact on protein and absence from the general population. AC MG/AMP Criteria applied: PM2, PVS1

Diagnostics Division, CENTRE FOR DNA FINGERPRINTING AND DIAGNOSTICS
Classification: Likely pathogenic for GNPTG-mucolipidosis. Last evaluated: 2016-01-01. Review status: criteria provided, single submitter. Criteria: ACMG Guidelines, 2015. Collection method: research. Allele origin: unknown. Affected: yes. Observed: 1 homozygote.
Comment: Missense variant